The following is an entry in ClinVar:

ClinVar aggregate classification (germline): Conflicting classifications of pathogenicity. Review status: criteria provided, conflicting classifications (1 of 4 stars). 5 submissions from 5 submitters: Uncertain significance (1); Benign (1); Likely benign (3). Last evaluated 2026-07-13.

Conditions:
SMARCA4-related disorder. Also called: SMARCA4-related condition.
Rhabdoid tumor predisposition syndrome 2 (RTPS2). Identifiers: Orphanet 231108, Orphanet 69077, MedGen C2750074, MONDO:0013224, OMIM 613325.
Hereditary cancer-predisposing syndrome. Also called: Hereditary neoplastic syndrome; Neoplastic Syndromes, Hereditary; Tumor predisposition; Hereditary Cancer Syndrome. Identifiers: Orphanet 140162, MedGen C0027672, MeSH D009386, MONDO:0015356.

Allele frequency attached by ClinVar (database versions not stated): gnomAD 0.00003; TOPMed 0.00002.
gnomAD v4.1: 3 of 1,612,582 alleles (0.00019%); highest among the groups gnomAD compares: African/African-American, 0.0027%; no homozygotes.

Submissions (5):

Myriad Genetics, Inc.
Classification: Benign for Rhabdoid tumor predisposition syndrome 2. Last evaluated: 2026-07-13. Review status: criteria provided, single submitter. Criteria: Myriad Autosomal Dominant, Autosomal Recessive and X-Linked Classification Criteria (2023). Collection method: clinical testing. Allele origin: unknown.
Comment: This variant is considered benign. This variant is a silent/synonymous amino acid change and it is not expected to impact splicing.

PreventionGenetics, part of Exact Sciences
Classification: Uncertain significance for SMARCA4-related condition. Last evaluated: 2025-03-22. Review status: criteria provided, single submitter. Criteria: ACMG Guidelines, 2015. Collection method: clinical testing. Allele origin: germline.
Comment: The SMARCA4 c.2535C>T variant is not predicted to result in an amino acid change (p.=). This variant is predicted to alter splicing based on available splicing prediction software (SpliceAI, Jaganathan et al. 2019. PubMed ID: 30661751). However, the use of computer prediction softwares is not equivalent to functional evidence. To our knowledge, this variant has not been reported in the literature. This variant is reported in 0.011% of alleles in individuals of African descent in gnomAD. Although we suspect that this variant may be benign, at this time, the clinical significance of this variant is uncertain due to the absence of conclusive functional and genetic evidence.

Labcorp Genetics (formerly Invitae), Labcorp
Classification: Likely benign for Rhabdoid tumor predisposition syndrome 2. Last evaluated: 2024-07-29. Review status: criteria provided, single submitter. Criteria: Invitae Variant Classification Sherloc (09022015). Collection method: clinical testing. Allele origin: germline.

Sema4
Classification: Likely benign for Hereditary cancer-predisposing syndrome. Last evaluated: 2021-12-09. Review status: criteria provided, single submitter. Criteria: Sema4 Curation Guidelines. Collection method: curation. Allele origin: germline.

Ambry Genetics
Classification: Likely benign for Hereditary cancer-predisposing syndrome. Last evaluated: 2019-04-24. Review status: criteria provided, single submitter. Criteria: Ambry Variant Classification Scheme 2023. Collection method: clinical testing. Allele origin: germline.

NM_003072.5(SMARCA4):c.2535C>T (p.Val845=)

Gene: SMARCA4 (SWI/SNF related BAF chromatin remodeling complex subunit ATPase 4; plus strand). Cytogenetic location: 19p13.2.
Variant type: single nucleotide variant.
Coding change: c.2535C>T on transcript NM_003072.5 (MANE Select); coding-DNA position 2535, C replaced by T.
Protein change: p.Val845=; no amino-acid change (valine 845 retained).
Molecular consequence: synonymous variant. On other transcripts: non-coding transcript variant (1).
Genome position (GRCh38, 1-based): chr19:11,019,620, C>T. VCF-style: chr19-11019620-C-T. GRCh37 (hg19) VCF-style: chr19-11130296-C-T.
Other names: c.2535C>T, p.Val845= (NM_001128844.3, NM_001128845.2, NM_001128846.2 and 4 more transcripts).
Identifiers: ClinVar variation 821410 (VCV000821410.12), dbSNP rs986151175, ClinGen allele CA305272702.